The following is an entry in ClinVar:

ClinVar aggregate classification (germline): Benign. Review status: criteria provided, multiple submitters, no conflicts (2 of 4 stars). 5 submissions from 5 submitters: Benign (5). Last evaluated 2026-02-04.

Conditions:
Microcephalic osteodysplastic primordial dwarfism type II (MOPD2). Also called: Microcephalic osteodysplastic primordial dwarfism with tooth abnormalities; MOPD II; OSTEODYSPLASTIC PRIMORDIAL DWARFISM, TYPE II. Identifiers: Orphanet 2637, MedGen C0432246, MONDO:0008872, OMIM 210720.

Allele frequency attached by ClinVar (database versions not stated): ESP Exome Variant Server 0.11764; gnomAD 0.12572 and 0.12966; TOPMed 0.12689; gnomAD exomes 0.13038 and 0.14688; ExAC 0.14709; 1000 Genomes Project 30x 0.15693; 1000 Genomes Project 0.15935.
gnomAD v4.1: 210,444 of 1,613,838 alleles (13%); highest among the groups gnomAD compares: East Asian, 21%; 14,670 homozygotes.

Submissions (5):

Labcorp Genetics (formerly Invitae), Labcorp
Classification: Benign. Last evaluated: 2026-02-04. Review status: criteria provided, single submitter. Criteria: Invitae Variant Classification Sherloc (09022015). Collection method: clinical testing. Allele origin: germline.

Illumina Laboratory Services, Illumina
Classification: Benign for Microcephalic osteodysplastic primordial dwarfism type II. Last evaluated: 2018-01-13. Review status: criteria provided, single submitter. Criteria: ICSL Variant Classification Criteria 13 December 2019. Collection method: clinical testing. Allele origin: germline.
Comment: This variant was observed in the ICSL laboratory as part of a predisposition screen in an ostensibly healthy population. It had not been previously curated by ICSL or reported in the Human Gene Mutation Database (HGMD: prior to June 1st, 2018), and was therefore a candidate for classification through an automated scoring system. Utilizing variant allele frequency, disease prevalence and penetrance estimates, and inheritance mode, an automated score was calculated to assess if this variant is too frequent to cause the disease. Based on the score and internal cut-off values, a variant classified as benign is not then subjected to further curation. The score for this variant resulted in a classification of benign for this disease.

GeneDx
Classification: Benign. Last evaluated: 2015-03-03. Review status: criteria provided, single submitter. Criteria: GeneDx Variant Classification Process June 2021. Collection method: clinical testing. Allele origin: germline. Affected: yes.

Genetic Services Laboratory, University of Chicago
Classification: Benign. Last evaluated: 2013-02-08. Review status: criteria provided, single submitter. Criteria: ACMG Guidelines, 2007. Collection method: clinical testing. Allele origin: germline. Inheritance: Autosomal recessive inheritance.

Breakthrough Genomics
Classification: Benign. Review status: criteria provided, single submitter. Criteria: ACMG Guidelines, 2015. Collection method: not provided. Allele origin: germline. Inheritance: Autosomal recessive inheritance. Affected: yes.

NM_006031.6(PCNT):c.1616C>T (p.Thr539Ile)

Gene: PCNT (pericentrin; plus strand). Cytogenetic location: 21q22.3.
Variant type: single nucleotide variant.
Coding change: c.1616C>T on transcript NM_006031.6 (MANE Select); coding-DNA position 1616, C replaced by T.
Protein change: p.Thr539Ile; replaces threonine 539 with isoleucine.
Molecular consequence: missense variant.
Genome position (GRCh38, 1-based): chr21:46,353,263, C>T. VCF-style: chr21-46353263-C-T. GRCh37 (hg19) VCF-style: chr21-47773177-C-T.
Other names: c.1262C>T, p.Thr421Ile (NM_001315529.2); short protein forms T539I, T421I.
Identifiers: ClinVar variation 159567 (VCV000159567.20), dbSNP rs2249060, ClinGen allele CA172974.